The following is an entry in ClinVar:

ClinVar aggregate classification (germline): Conflicting classifications of pathogenicity. Review status: criteria provided, conflicting classifications (1 of 4 stars). 12 submissions from 12 submitters: Uncertain significance (1); Benign (2); Likely benign (7). 2 of the submissions do not count toward it. Last evaluated 2026-02-03.

Conditions:
BRCA2-related cancer predisposition. Identifiers: MedGen CN377758, MONDO:0700269.
Hereditary cancer-predisposing syndrome. Also called: Neoplastic Syndromes, Hereditary; Hereditary neoplastic syndrome; Tumor predisposition; Hereditary Cancer Syndrome. Identifiers: Orphanet 140162, MedGen C0027672, MeSH D009386, MONDO:0015356.
Hereditary breast ovarian cancer syndrome. Also called: Hereditary breast and/or ovarian cancer syndrome; Breast and ovarian cancer; BRCA1- and BRCA2-Associated Hereditary Breast and Ovarian Cancer; Hereditary breast and ovarian cancer; Hereditary breast and ovarian cancer syndrome; Hereditary breast and ovarian cancer syndrome (HBOC). Identifiers: Orphanet 145, MedGen C0677776, MeSH D061325, MONDO:0003582. Disease mechanism: loss of function.
Breast-ovarian cancer, familial, susceptibility to, 2 (BROVCA2). Also called: BRCA2 Hereditary Breast and Ovarian Cancer. Identifiers: Orphanet 145, MedGen C2675520, MONDO:0012933, OMIM 612555. Disease mechanism: loss of function.

Submissions (12):

Labcorp Genetics (formerly Invitae), Labcorp
Classification: Likely benign for Hereditary breast ovarian cancer syndrome. Last evaluated: 2026-02-03. Review status: criteria provided, single submitter. Criteria: Invitae Variant Classification Sherloc (09022015). Collection method: clinical testing. Allele origin: germline.

Mayo Clinic Laboratories, Mayo Clinic
Classification: Likely benign. Last evaluated: 2025-10-20. Review status: criteria provided, single submitter. Criteria: ACMG Guidelines, 2015. Collection method: clinical testing. Allele origin: germline. Observed: 1 variant allele.
Comment: BS4, BP1_strong

Women's Health and Genetics/Laboratory Corporation of America, LabCorp
Classification: Likely benign. Last evaluated: 2025-04-18. Review status: criteria provided, single submitter. Criteria: LabCorp Variant Classification Summary - May 2015. Collection method: clinical testing. Allele origin: germline.
Comment: Variant summary: BRCA2 c.433_435delGTT (p.Val145del) results in an in-frame deletion that is predicted to remove one amino acid from the encoded protein. The variant allele was found at a frequency of 1.2e-05 in 250698 control chromosomes. The available data on variant occurrences in the general population are insufficient to allow any conclusion about variant significance. c.433_435delGTT has been reported in the literature in individuals affected with Breast and/or Ovarian Cancer (example, Borg_2010, Carney_2010, Alsop_2012, Arai_2018, Caputo_2021, Bhai_2021, Hauke_2022). These report(s) do not provide unequivocal conclusions about association of the variant with Hereditary Breast And Ovarian Cancer Syndrome. Co-occurrences with other pathogenic variants have been reported in the BIC database (BRCA1 c.5207T>C, p.Val1736Ala; BRCA1 c.5251C>T, p.Arg1751X), providing supporting evidence for a benign role. To our knowledge, no experimental evidence demonstrating an impact on protein function has been reported. The following publications have been ascertained in the context of this evaluation (PMID: 22711857, 29176636, 34326862, 20104584, 34597585, 21218378, 28301460, 33273034, 22505045, 19941162). ClinVar contains an entry for this variant (Variation ID: 37895). Based on the evidence outlined above, the variant was classified as likely benign.

Blueprint Genetics
Classification: Likely benign. Last evaluated: 2024-10-24. Review status: criteria provided, single submitter. Criteria: ACMG Guidelines, 2015. Collection method: clinical testing. Allele origin: germline.

Quest Diagnostics Nichols Institute San Juan Capistrano
Classification: Uncertain significance. Last evaluated: 2024-09-07. Review status: criteria provided, single submitter. Criteria: Quest Diagnostics criteria. Collection method: clinical testing. Allele origin: unknown.
Comment: The BRCA2 c.433_435del (p.Val145del) variant has been reported in the published literature in individuals with breast cancer (PMID: 20104584 (2010), 34597585 (2021)) and ovarian cancer (PMID: 34326862 (2021)). This variant has also been identified in a reportedly healthy individual with family history of breast cancer (PMID: 21218378 (2010)). The frequency of this variant in the general population, 0.000039 (5/128808 chromosomes (Genome Aggregation Database)), is uninformative in the assessment of its pathogenicity. Based on the available information, we are unable to determine the clinical significance of this variant.

All of Us Research Program, National Institutes of Health
Classification: Benign for BRCA2-related cancer predisposition. Last evaluated: 2024-05-30. Review status: criteria provided, single submitter. Criteria: ACMG Guidelines, 2015. Collection method: clinical testing. Allele origin: germline. Inheritance: Autosomal dominant inheritance. Observed: 9 variant alleles, 9 heterozygotes.
Comment: This study involves interpretation of variants in research participants for the purpose of population health screening. Participant phenotype was not available at the time of variant classification. Additional details can be found in publication PMID: 35346344, PMCID: PMC8962531

ARUP Laboratories, Molecular Genetics and Genomics, ARUP Laboratories
Classification: Likely benign. Last evaluated: 2024-01-12. Review status: criteria provided, single submitter. Criteria: ARUP Molecular Germline Variant Investigation Process 2024. Collection method: clinical testing. Allele origin: germline.

GeneDx
Classification: Likely benign. Last evaluated: 2019-07-29. Review status: criteria provided, single submitter. Criteria: GeneDx Variant Classification Process June 2021. Collection method: clinical testing. Allele origin: germline. Affected: yes.
Comment: This variant is associated with the following publications: (PMID: 21218378, 19941162, 20104584, 29176636, 28758972)

Ambry Genetics
Classification: Likely benign for Hereditary cancer-predisposing syndrome. Last evaluated: 2018-11-20. Review status: criteria provided, single submitter. Criteria: Ambry Variant Classification Scheme 2023. Collection method: clinical testing. Allele origin: germline.

Color Diagnostics, LLC DBA Color Health
Classification: Benign for Hereditary cancer-predisposing syndrome. Last evaluated: 2016-11-21. Review status: criteria provided, single submitter. Criteria: ACMG Guidelines, 2015. Collection method: clinical testing. Allele origin: germline.

Sharing Clinical Reports Project (SCRP)
Classification: Likely benign for Breast-ovarian cancer, familial 2. Last evaluated: 2012-06-11. Review status: no assertion criteria provided. Collection method: clinical testing. Allele origin: germline. Not counted in ClinVar's aggregate classification.

Breast Cancer Information Core (BIC) (BRCA2)
Classification: Uncertain significance for Breast-ovarian cancer, familial 2. Last evaluated: 2002-05-29. Review status: no assertion criteria provided. Collection method: clinical testing. Allele origin: germline. Affected: yes. Observed: 3 variant alleles. Not counted in ClinVar's aggregate classification.

Literature cited by the submitters: PubMed 20104584 (cited by 3 submitters); PubMed 22711857 (cited by Women's Health and Genetics/Laboratory Corporation of America, LabCorp and Quest Diagnostics Nichols Institute San Juan Capistrano); PubMed 22505045 (cited by Women's Health and Genetics/Laboratory Corporation of America, LabCorp and Quest Diagnostics Nichols Institute San Juan Capistrano); PubMed 19941162 (cited by Women's Health and Genetics/Laboratory Corporation of America, LabCorp and Quest Diagnostics Nichols Institute San Juan Capistrano); PubMed 21218378 (cited by 3 submitters); PubMed 28301460 (cited by Women's Health and Genetics/Laboratory Corporation of America, LabCorp); PubMed 29176636 (cited by Women's Health and Genetics/Laboratory Corporation of America, LabCorp and Quest Diagnostics Nichols Institute San Juan Capistrano); PubMed 33273034 (cited by Women's Health and Genetics/Laboratory Corporation of America, LabCorp); PubMed 34597585 (cited by Women's Health and Genetics/Laboratory Corporation of America, LabCorp and Quest Diagnostics Nichols Institute San Juan Capistrano); PubMed 34326862 (cited by Women's Health and Genetics/Laboratory Corporation of America, LabCorp and Quest Diagnostics Nichols Institute San Juan Capistrano); PubMed 28758972 (cited by Quest Diagnostics Nichols Institute San Juan Capistrano).

NM_000059.4(BRCA2):c.430GTT[1] (p.Val145del)

Gene: BRCA2 (BRCA2 DNA repair associated; plus strand). Cytogenetic location: 13q13.1.
Variant type: Microsatellite.
Coding change: c.430GTT[1] on transcript NM_000059.4 (MANE Select); one copy of the 3-base unit GTT starting at c.430; the reference has two copies in a row; one copy, 3 bases deleted.
Protein change: p.Val145del; deletes valine 145.
Molecular consequence: inframe deletion.
Genome position (GRCh38, 1-based): chr13:32,326,108-32,326,110, GTT deleted; deleting any 3 consecutive bases within chr13:32,326,104-32,326,110 gives the same sequence; the position shown is the placement nearest the transcript's 3' end. VCF-style (leftmost placement, unchanged base first): chr13-32326103-CTGT-C. GRCh37 (hg19) VCF-style: chr13-32900240-CTGT-C.
Other names: p.Val145del; 661del3; c.433_435delGTT (NM_000059.3, NM_000059.4); short protein forms V145del.
Identifiers: ClinVar variation 37895 (VCV000037895.38), dbSNP rs80359442, ClinGen allele CA020004.
Genomic context (GRCh38, chr13:32,326,103, plus strand): 5'-AACTAGTTTTTGCCAGTTTTTTAAAATAACCTAAGGGATTTGCTTTGTTTTATTTTAGTC[CTGT>C]TGTTCTACAATGTACACATGTAACACCACAAAGAGATAAGTCAGGTATGATTAAAAACAA-3'